The following is an entry in ClinVar:

ClinVar aggregate classification (germline): Uncertain significance. Review status: criteria provided, multiple submitters, no conflicts (2 of 4 stars). 3 submissions from 3 submitters: Uncertain significance (3). Last evaluated 2026-05-22.

Conditions:
Hereditary cancer-predisposing syndrome. Also called: Hereditary neoplastic syndrome; Neoplastic Syndromes, Hereditary; Tumor predisposition; Hereditary Cancer Syndrome. Identifiers: Orphanet 140162, MedGen C0027672, MeSH D009386, MONDO:0015356.
Multiple endocrine neoplasia, type 2 (MEN2). Identifiers: Orphanet 653, MedGen C4048306, MONDO:0019003. Disease mechanism: gain of function.

Allele frequency attached by ClinVar (database versions not stated): gnomAD exomes 0.00001.
gnomAD v4.1: 4 of 1,611,884 alleles (0.00025%); highest among the groups gnomAD compares: East Asian, 0.0067%; no homozygotes.

Submissions (3):

Ambry Genetics
Classification: Uncertain significance for Hereditary cancer-predisposing syndrome. Last evaluated: 2026-05-22. Review status: criteria provided, single submitter. Criteria: Ambry Variant Classification Scheme 2023. Collection method: clinical testing. Allele origin: germline.
Comment: The p.K747Q variant (also known as c.2239A>C), located in coding exon 12 of the RET gene, results from an A to C substitution at nucleotide position 2239. The lysine at codon 747 is replaced by glutamine, an amino acid with similar properties. This amino acid position is conserved. In addition, the in silico prediction for this alteration is inconclusive. Based on the available evidence, the clinical significance of this variant remains unclear.

Labcorp Genetics (formerly Invitae), Labcorp
Classification: Uncertain significance for Multiple endocrine neoplasia, type 2. Last evaluated: 2024-09-17. Review status: criteria provided, single submitter. Criteria: Invitae Variant Classification Sherloc (09022015). Collection method: clinical testing. Allele origin: germline.
Comment: This sequence change replaces lysine, which is basic and polar, with glutamine, which is neutral and polar, at codon 747 of the RET protein (p.Lys747Gln). This variant is not present in population databases (gnomAD no frequency). This variant has not been reported in the literature in individuals affected with RET-related conditions. An algorithm developed to predict the effect of missense changes on protein structure and function (PolyPhen-2) suggests that this variant is likely to be disruptive. In summary, the available evidence is currently insufficient to determine the role of this variant in disease. Therefore, it has been classified as a Variant of Uncertain Significance.

All of Us Research Program, National Institutes of Health
Classification: Uncertain significance for Multiple endocrine neoplasia, type 2. Last evaluated: 2023-05-16. Review status: criteria provided, single submitter. Criteria: ACMG Guidelines, 2015. Collection method: clinical testing. Allele origin: germline. Inheritance: Autosomal dominant inheritance. Observed: 1 variant allele, 1 heterozygote.
Comment: This missense variant replaces lysine with glutamine at codon 747 of the RET protein. Computational prediction is inconclusive regarding the impact of this variant on protein structure and function (internally defined REVEL score threshold 0.5 < inconclusive < 0.7, PMID: 27666373). To our knowledge, functional studies have not been reported for this variant. This variant has not been reported in individuals affected with hereditary cancer in the literature. This variant has not been identified in the general population by the Genome Aggregation Database (gnomAD). The available evidence is insufficient to determine the role of this variant in disease conclusively. Therefore, this variant is classified as a Variant of Uncertain Significance.

This study involves interpretation of variants in research participants for the purpose of population health screening. Participant phenotype was not available at the time of variant classification. Additional details can be found in publication PMID: 35346344, PMCID: PMC8962531

NM_020975.6(RET):c.2239A>C (p.Lys747Gln)

Gene: RET (ret proto-oncogene; plus strand). Cytogenetic location: 10q11.21.
Variant type: single nucleotide variant.
Coding change: c.2239A>C on transcript NM_020975.6 (MANE Select); coding-DNA position 2239, A replaced by C.
Protein change: p.Lys747Gln; replaces lysine 747 with glutamine.
Molecular consequence: missense variant.
Genome position (GRCh38, 1-based): chr10:43,116,686, A>C. VCF-style: chr10-43116686-A-C. GRCh37 (hg19) VCF-style: chr10-43612134-A-C.
Other names: c.1342A>C, p.Lys448Gln (NM_001406780.1, NM_001406781.1, NM_001406782.1 and 1 more transcripts); c.1213A>C, p.Lys405Gln (NM_001406783.1, NM_001406786.1); c.1249A>C, p.Lys417Gln (NM_001406784.1); c.1222A>C, p.Lys408Gln (NM_001406785.1); c.1207A>C, p.Lys403Gln (NM_001406787.1); c.1054A>C, p.Lys352Gln (NM_001406788.1, NM_001406789.1, NM_001406790.1); c.2239A>C, p.Lys747Gln (NM_000323.2, NM_001406743.1, NM_001406744.1 and 4 more transcripts); c.1477A>C, p.Lys493Gln (NM_001355216.2); and 10 more; short protein forms K264Q, K312Q, K408Q, K417Q, K572Q, K651Q, K747Q, K448Q.
Identifiers: ClinVar variation 2849248 (VCV002849248.5), dbSNP rs2132907805, ClinGen allele CA376554682.
Genomic context (GRCh38, chr10:43,116,686, plus strand): 5'-GGAAAAACTCTAGGAGAAGGCGAATTTGGAAAAGTGGTCAAGGCAACGGCCTTCCATCTG[A>C]AAGGCAGAGCAGGGTACACCACGGTGGCCGTGAAGATGCTGAAAGGTACCTGCCAGGCAC-3'
Protein context (NP_066124.1, residues 737-757): KVVKATAFHL[Lys747Gln]GRAGYTTVAV